The following is an entry in ClinVar:

ClinVar aggregate classification (germline): Uncertain significance (1 of 4 stars; one submission).

Conditions:
Alpha thalassemia-X-linked intellectual disability syndrome (ATRX). Also called: ALPHA-THALASSEMIA/MENTAL RETARDATION SYNDROME, X-LINKED; ATR, NONDELETION TYPE; ATR-X syndrome; Alpha thalassemia mental retardation syndrome, nondeletion type, X-linked; XLMR hypotonic face syndrome; X-linked alpha-thalassemia-mental retardation syndrome. Identifiers: Orphanet 847, MedGen C1845055, MONDO:0010519, OMIM 301040.

gnomAD v4.1: 1 of 1,209,445 alleles (0.000083%); no homozygotes.

Submission:

Labcorp Genetics (formerly Invitae), Labcorp
Classification: Uncertain significance for Alpha thalassemia-X-linked intellectual disability syndrome. Last evaluated: 2022-05-24. Review status: criteria provided, single submitter. Criteria: Invitae Variant Classification Sherloc (09022015). Collection method: clinical testing. Allele origin: germline.
Comment: This variant has not been reported in the literature in individuals affected with ATRX-related conditions. This variant is not present in population databases (gnomAD no frequency). This sequence change replaces glutamic acid, which is acidic and polar, with lysine, which is basic and polar, at codon 453 of the ATRX protein (p.Glu453Lys). In summary, the available evidence is currently insufficient to determine the role of this variant in disease. Therefore, it has been classified as a Variant of Uncertain Significance. Advanced modeling of protein sequence and biophysical properties (such as structural, functional, and spatial information, amino acid conservation, physicochemical variation, residue mobility, and thermodynamic stability) performed at Invitae indicates that this missense variant is not expected to disrupt ATRX protein function.

NM_000489.6(ATRX):c.1357G>A (p.Glu453Lys)

Gene: ATRX (ATRX chromatin remodeler; minus strand). Cytogenetic location: Xq21.1.
Variant type: single nucleotide variant.
Coding change: c.1357G>A on transcript NM_000489.6 (MANE Select); coding-DNA position 1357, G replaced by A.
Protein change: p.Glu453Lys; replaces glutamic acid 453 with lysine.
Molecular consequence: missense variant.
Genome position (GRCh38, 1-based): chrX:77,683,899, C>T on the plus strand (G>A on the coding strand, the complement: ATRX is on the minus strand). VCF-style: chrX-77683899-C-T. GRCh37 (hg19) VCF-style: chrX-76939391-C-T.
Other names: c.1243G>A, p.Glu415Lys (NM_138270.5); short protein forms E415K, E453K.
Identifiers: ClinVar variation 1997128 (VCV001997128.4), dbSNP rs2148624684, ClinGen allele CA413718398.